The following is an entry in ClinVar:

ClinVar aggregate classification (germline): Benign/Likely benign. Review status: criteria provided, multiple submitters, no conflicts (2 of 4 stars). 4 submissions from 4 submitters: Benign (1); Likely benign (2). 1 of the submissions does not count toward it. Last evaluated 2024-12-07.

Conditions:
CNTN1-related disorder. Also called: CNTN1-related condition.
Compton-North congenital myopathy (CMYO12). Identifiers: Orphanet 210163, MedGen C2675527, MONDO:0012929, OMIM 612540.

Allele frequency attached by ClinVar (database versions not stated): gnomAD below 0.00001 and 0.00011; TOPMed 0.00005; 1000 Genomes Project 30x 0.00031; 1000 Genomes Project 0.00040.
gnomAD v4.1: 413 of 1,613,472 alleles (0.026%); highest among the groups gnomAD compares: South Asian, 0.42%; 3 homozygotes.

Submissions (4):

Labcorp Genetics (formerly Invitae), Labcorp
Classification: Benign for Compton-North congenital myopathy. Last evaluated: 2024-12-07. Review status: criteria provided, single submitter. Criteria: Invitae Variant Classification Sherloc (09022015). Collection method: clinical testing. Allele origin: germline.

CeGaT Center for Human Genetics Tuebingen
Classification: Likely benign. Last evaluated: 2022-10-01. Review status: criteria provided, single submitter. Criteria: CeGaT Center For Human Genetics Tuebingen Variant Classification Criteria Version 2. Collection method: clinical testing. Allele origin: germline. Affected: yes. Observed: 1 variant allele.
Comment: CNTN1: BP4, BP7

GeneDx
Classification: Likely benign. Last evaluated: 2019-12-05. Review status: criteria provided, single submitter. Criteria: GeneDx Variant Classification Process June 2021. Collection method: clinical testing. Allele origin: germline. Affected: yes.

PreventionGenetics, part of Exact Sciences
Classification: Likely benign for CNTN1-related condition. Last evaluated: 2024-01-29. Review status: no assertion criteria provided. Collection method: clinical testing. Allele origin: germline. Not counted in ClinVar's aggregate classification.
Comment: This variant is classified as likely benign based on ACMG/AMP sequence variant interpretation guidelines (Richards et al. 2015 PMID: 25741868, with internal and published modifications).

NM_001843.4(CNTN1):c.1563C>T (p.Asn521=)

Gene: CNTN1 (contactin 1; plus strand). Cytogenetic location: 12q12.
Variant type: single nucleotide variant.
Coding change: c.1563C>T on transcript NM_001843.4 (MANE Select); coding-DNA position 1563, C replaced by T.
Protein change: p.Asn521=; no amino-acid change (asparagine 521 retained).
Molecular consequence: synonymous variant.
Genome position (GRCh38, 1-based): chr12:40,944,050, C>T. VCF-style: chr12-40944050-C-T. GRCh37 (hg19) VCF-style: chr12-41337852-C-T.
Other names: c.1563C>T, p.Asn521= (NM_001256063.2, NM_001256064.2); c.1530C>T, p.Asn510= (NM_175038.2).
Identifiers: ClinVar variation 705606 (VCV000705606.39), dbSNP rs201595623, ClinGen allele CA6516892.